The following is an entry in ClinVar:

ClinVar aggregate classification (germline): Benign/Likely benign. Review status: criteria provided, multiple submitters, no conflicts (2 of 4 stars). 3 submissions from 3 submitters: Benign (1); Likely benign (2). Last evaluated 2026-06-23.

Conditions:
Retinoblastoma (RB1). Also called: RETINOBLASTOMA, SOMATIC. Identifiers: Orphanet 790, MedGen C0035335, MeSH D012175, MONDO:0008380, OMIM 180200, HP:0009919. Disease mechanism: loss of function. Inheritance: Both sporadic and heritable forms are tested..
Hereditary cancer-predisposing syndrome. Also called: Tumor predisposition; Hereditary Cancer Syndrome; Hereditary neoplastic syndrome; Neoplastic Syndromes, Hereditary. Identifiers: Orphanet 140162, MedGen C0027672, MeSH D009386, MONDO:0015356.

gnomAD v4.1: 3 of 1,502,996 alleles (0.0002%); highest among the groups gnomAD compares: African/African-American, 0.0015%; no homozygotes.

Submissions (3):

Myriad Genetics, Inc.
Classification: Benign for Retinoblastoma. Last evaluated: 2026-06-23. Review status: criteria provided, single submitter. Criteria: Myriad Autosomal Dominant, Autosomal Recessive and X-Linked Classification Criteria (2023). Collection method: clinical testing. Allele origin: unknown.
Comment: This variant is considered benign. This variant is a silent/synonymous amino acid change and it is not expected to impact splicing.

Labcorp Genetics (formerly Invitae), Labcorp
Classification: Likely benign for Retinoblastoma. Last evaluated: 2025-11-02. Review status: criteria provided, single submitter. Criteria: Invitae Variant Classification Sherloc (09022015). Collection method: clinical testing. Allele origin: germline.

Ambry Genetics
Classification: Likely benign for Hereditary cancer-predisposing syndrome. Last evaluated: 2022-11-12. Review status: criteria provided, single submitter. Criteria: Ambry Variant Classification Scheme 2023. Collection method: clinical testing. Allele origin: germline.

NM_000321.3(RB1):c.60C>G (p.Pro20=)

Gene: RB1 (RB transcriptional corepressor 1; plus strand). Cytogenetic location: 13q14.2.
Variant type: single nucleotide variant.
Coding change: c.60C>G on transcript NM_000321.3 (MANE Select); coding-DNA position 60, C replaced by G.
Protein change: p.Pro20=; no amino-acid change (proline 20 retained).
Molecular consequence: synonymous variant.
Genome position (GRCh38, 1-based): chr13:48,303,972, C>G. VCF-style: chr13-48303972-C-G. GRCh37 (hg19) VCF-style: chr13-48878108-C-G.
Identifiers: ClinVar variation 796079 (VCV000796079.13), dbSNP rs777340111, ClinGen allele CA483711610.
Genomic context (GRCh38, chr13:48,303,972, plus strand): 5'-CATGCCGCCCAAAACCCCCCGAAAAACGGCCGCCACCGCCGCCGCTGCCGCCGCGGAACC[C>G]CCGGCACCGCCGCCGCCGCCCCCTCCTGAGGAGGACCCAGAGCAGGACAGCGGCCCGGAG-3'
Protein context (NP_000312.2, residues 10-30): AATAAAAAAE[Pro20=]PAPPPPPPPE